The following is an entry in ClinVar:

ClinVar aggregate classification (germline): Uncertain significance (1 of 4 stars; one submission).

Allele frequency attached by ClinVar (database versions not stated): TOPMed below 0.00001; gnomAD exomes 0.00001; gnomAD 0.00001; ExAC 0.00002.
gnomAD v4.1: 4 of 1,614,110 alleles (0.00025%); highest among the groups gnomAD compares: Non-Finnish European, 0.00034%; no homozygotes.

Submission:

Ambry Genetics
Classification: Uncertain significance. Last evaluated: 2026-05-27. Review status: criteria provided, single submitter. Criteria: Ambry Variant Classification Scheme 2023. Collection method: clinical testing. Allele origin: germline.
Comment: The c.1996G>A (p.E666K) alteration is located in exon 13 (coding exon 13) of the CDH26 gene. This alteration results from a G to A substitution at nucleotide position 1996, causing the glutamic acid (E) at amino acid position 666 to be replaced by a lysine (K). Based on data from gnomAD, the A allele has an overall frequency of 0.001% (2/251470) total alleles studied. The highest observed frequency was 0.002% (2/113748) of European (non-Finnish) alleles. Based on insufficient or conflicting evidence, the clinical significance of this alteration remains unclear.

NM_177980.4(CDH26):c.1996G>A (p.Glu666Lys)

Gene: CDH26 (cadherin 26; plus strand). Cytogenetic location: 20q13.33.
Variant type: single nucleotide variant.
Coding change: c.1996G>A on transcript NM_177980.4 (MANE Select); coding-DNA position 1996, G replaced by A.
Protein change: p.Glu666Lys; replaces glutamic acid 666 with lysine.
Molecular consequence: missense variant. On other transcripts: non-coding transcript variant (1), intron variant (2).
Genome position (GRCh38, 1-based): chr20:59,996,738, G>A. VCF-style: chr20-59996738-G-A. GRCh37 (hg19) VCF-style: chr20-58571793-G-A.
Other names: c.18+150G>A (NM_021810.6, NM_001348204.2); short protein forms E666K.
Identifiers: ClinVar variation 2290930 (VCV002290930.3), dbSNP rs766406019, ClinGen allele CA9933802.
Genomic context (GRCh38, chr20:59,996,738, plus strand): 5'-AGGCATGGATGCTCTGTATCCAATGATGAAGGCCACCAAACACTGGTCATGTATAATGCG[G>A]AGAGCAAAGGCACTTCAGCCCAGGTAGTGGAATGTCATGCTTTGTGTCTTATGGCAAGGA-3'
Protein context (NP_817089.1, residues 656-676): GHQTLVMYNA[Glu666Lys]SKGTSAQTWS